The following is an entry in ClinVar:

NM_173660.5(DOK7):c.487G>A (p.Val163Met)

Gene: DOK7 (docking protein 7; plus strand). Cytogenetic location: 4p16.3.
Variant type: single nucleotide variant.
Coding change: c.487G>A on transcript NM_173660.5 (MANE Select); coding-DNA position 487, G replaced by A.
Protein change: p.Val163Met; replaces valine 163 with methionine.
Molecular consequence: missense variant. On other transcripts: intron variant (1).
Genome position (GRCh38, 1-based): chr4:3,476,497, G>A. VCF-style: chr4-3476497-G-A. GRCh37 (hg19) VCF-style: chr4-3478224-G-A.
Other names: c.487G>A, p.Val163Met (NM_001164673.2, NM_001301071.2); c.101-9042G>A (NM_001363811.2); short protein forms V163M.
Identifiers: ClinVar variation 1044499 (VCV001044499.6), dbSNP rs746946329, ClinGen allele CA2829012.
Genomic context (GRCh38, chr4:3,476,497, plus strand): 5'-GACATCCCCCCGGCTGTCACGGGGCAGTGGAAGCTGTCTGACCTCCGGCGCTACGGGGCC[G>A]TGCCAAGCGGATTCATCTTTGAAGGCGGGACCAGGTGTGGGTACTGTAAGTACGGATGTG-3'
Protein context (NP_775931.3, residues 153-173): KLSDLRRYGA[Val163Met]PSGFIFEGGT

ClinVar aggregate classification (germline): Uncertain significance (1 of 4 stars; one submission).

Conditions:
Congenital myasthenic syndrome 10. Also called: Myasthenia, limb-girdle, familial. Identifiers: Orphanet 590, MedGen C1850792, MONDO:0009690, OMIM 254300.
Fetal akinesia deformation sequence 1 (FADS1). Also called: Pena-Shokeir syndrome type I; Fetal akinesia sequence. Identifiers: Orphanet 994, MedGen C1276035, MONDO:0100101, OMIM 208150, HP:0001989.

Allele frequency attached by ClinVar (database versions not stated): gnomAD exomes below 0.00001 and 0.00001; ExAC 0.00001; gnomAD 0.00001; TOPMed 0.00001.
gnomAD v4.1: 9 of 1,613,768 alleles (0.00056%); highest among the groups gnomAD compares: Middle Eastern, 0.033%; no homozygotes.

Submission:

Labcorp Genetics (formerly Invitae), Labcorp
Classification: Uncertain significance for Congenital myasthenic syndrome 10; Fetal akinesia deformation sequence 1. Last evaluated: 2021-08-30. Review status: criteria provided, single submitter. Criteria: Invitae Variant Classification Sherloc (09022015). Collection method: clinical testing. Allele origin: germline.
Comment: This sequence change replaces valine with methionine at codon 163 of the DOK7 protein (p.Val163Met). The valine residue is highly conserved and there is a small physicochemical difference between valine and methionine. This variant is present in population databases (rs746946329, ExAC 0.009%). This variant has not been reported in the literature in individuals affected with DOK7-related conditions. Algorithms developed to predict the effect of missense changes on protein structure and function are either unavailable or do not agree on the potential impact of this missense change (SIFT: "Deleterious"; PolyPhen-2: "Probably Damaging"; Align-GVGD: "Class C0"). In summary, the available evidence is currently insufficient to determine the role of this variant in disease. Therefore, it has been classified as a Variant of Uncertain Significance.